The following is an entry in ClinVar:

NM_000219.6(KCNE1):c.312G>C (p.Arg104Ser)

Gene: KCNE1 (potassium voltage-gated channel subfamily E regulatory subunit 1; minus strand). Cytogenetic location: 21q22.12.
Variant type: single nucleotide variant.
Coding change: c.312G>C on transcript NM_000219.6 (MANE Select); coding-DNA position 312, G replaced by C.
Protein change: p.Arg104Ser; replaces arginine 104 with serine.
Molecular consequence: missense variant.
Genome position (GRCh38, 1-based): chr21:34,449,323, C>G on the plus strand (G>C on the coding strand, the complement: KCNE1 is on the minus strand). VCF-style: chr21-34449323-C-G. GRCh37 (hg19) VCF-style: chr21-35821621-C-G.
Other names: c.312G>C, p.Arg104Ser (NM_001127668.4, NM_001127669.4, NM_001127670.4 and 4 more transcripts); short protein forms R104S.
Identifiers: ClinVar variation 3374607 (VCV003374607.2).

Conditions:
Long QT syndrome 5 (LQT5). Identifiers: Orphanet 101016, Orphanet 768, MedGen C1867904, MONDO:0013372, OMIM 613695.

Submission:

Roden Lab, Vanderbilt University Medical Center
No classification provided (evidence only). Condition: Long QT syndrome 5. Review status: no classification provided. Collection method: in vitro. Allele origin: not applicable. Functional consequence: Effect on ion channel function.
ClinVar note: "not provided" was previously submitted as the classification for the variant. However, the classification appeared to be based only on an observation of functional data so it was converted to no classification on 2025-07-30.